The following is an entry in ClinVar:

ClinVar aggregate classification (germline): Uncertain significance (1 of 4 stars; one submission).

Conditions:
Dyskeratosis congenita. Identifiers: Orphanet 1775, MedGen C0265965, MONDO:0015780.

Submissions (3):

Labcorp Genetics (formerly Invitae), Labcorp
Classification: Uncertain significance for Dyskeratosis congenita. Last evaluated: 2021-08-17. Review status: criteria provided, single submitter. Criteria: Invitae Variant Classification Sherloc (09022015). Collection method: clinical testing. Allele origin: germline.
Comment: In summary, the available evidence is currently insufficient to determine the role of this variant in disease. Therefore, it has been classified as a Variant of Uncertain Significance. Algorithms developed to predict the effect of missense changes on protein structure and function (SIFT, PolyPhen-2, Align-GVGD) all suggest that this variant is likely to be tolerated. This variant has not been reported in the literature in individuals affected with DKC1-related conditions. This variant is not present in population databases (ExAC no frequency). This sequence change replaces methionine with isoleucine at codon 316 of the DKC1 protein (p.Met316Ile). The methionine residue is highly conserved and there is a small physicochemical difference between methionine and isoleucine.

Dr. Peter K. Rogan Lab, Western University
No classification provided (evidence only). Condition: Thyroid cancer, nonmedullary, 1. Review status: no classification provided. Collection method: in vitro. Allele origin: not applicable. Functional consequence: skipped exon. Not counted in ClinVar's aggregate classification.

Dr. Peter K. Rogan Lab, Western University
No classification provided (evidence only). Condition: Thyroid cancer, nonmedullary, 1. Review status: no classification provided. Collection method: in vitro. Allele origin: not applicable. Functional consequence: retained intron. Not counted in ClinVar's aggregate classification.

NM_001363.5(DKC1):c.948G>T (p.Met316Ile)

Gene: DKC1 (dyskerin pseudouridine synthase 1; plus strand). Cytogenetic location: Xq28.
Variant type: single nucleotide variant.
Coding change: c.948G>T on transcript NM_001363.5 (MANE Select); coding-DNA position 948, G replaced by T.
Protein change: p.Met316Ile; replaces methionine 316 with isoleucine.
Molecular consequence: missense variant. On other transcripts: non-coding transcript variant (3).
Genome position (GRCh38, 1-based): chrX:154,770,791, G>T. VCF-style: chrX-154770791-G-T. GRCh37 (hg19) VCF-style: chrX-153999066-G-T.
Other names: c.948G>T, p.Met316Ile (NM_001142463.3, NM_001288747.2); short protein forms M316I.
Identifiers: ClinVar variation 1058000 (VCV001058000.10), dbSNP rs2148513624, ClinGen allele CA414893967.